The following is an entry in ClinVar:

ClinVar aggregate classification (germline): Uncertain significance (1 of 4 stars; one submission).

Allele frequency attached by ClinVar (database versions not stated): TOPMed 0.00002; gnomAD 0.00003; gnomAD exomes 0.00003.
gnomAD v4.1: 43 of 1,613,430 alleles (0.0027%); highest among the groups gnomAD compares: Non-Finnish European, 0.0036%; no homozygotes.

Submission:

Labcorp Genetics (formerly Invitae), Labcorp
Classification: Uncertain significance. Last evaluated: 2022-05-28. Review status: criteria provided, single submitter. Criteria: Invitae Variant Classification Sherloc (09022015). Collection method: clinical testing. Allele origin: germline.
Comment: This variant has not been reported in the literature in individuals affected with PLEKHG2-related conditions. Algorithms developed to predict the effect of missense changes on protein structure and function (SIFT, PolyPhen-2, Align-GVGD) all suggest that this variant is likely to be tolerated. Algorithms developed to predict the effect of sequence changes on RNA splicing suggest that this variant may disrupt the consensus splice site. In summary, the available evidence is currently insufficient to determine the role of this variant in disease. Therefore, it has been classified as a Variant of Uncertain Significance. This variant is present in population databases (no rsID available, gnomAD 0.003%). This sequence change replaces threonine, which is neutral and polar, with arginine, which is basic and polar, at codon 1367 of the PLEKHG2 protein (p.Thr1367Arg).

NM_022835.3(PLEKHG2):c.4100C>G (p.Thr1367Arg)

Gene: PLEKHG2 (pleckstrin homology and RhoGEF domain containing G2; plus strand). Cytogenetic location: 19q13.2.
Variant type: single nucleotide variant.
Coding change: c.4100C>G on transcript NM_022835.3 (MANE Select); coding-DNA position 4100, C replaced by G.
Protein change: p.Thr1367Arg; replaces threonine 1367 with arginine.
Molecular consequence: missense variant. On other transcripts: intron variant (2).
Genome position (GRCh38, 1-based): chr19:39,425,233, C>G. VCF-style: chr19-39425233-C-G. GRCh37 (hg19) VCF-style: chr19-39915873-C-G.
Other names: c.3573-5C>G (NM_001351693.2); c.1678-5C>G (NM_001351694.2); short protein forms T1367R.
Identifiers: ClinVar variation 1935486 (VCV001935486.5), dbSNP rs1238620667, ClinGen allele CA405812145.